The following is an entry in ClinVar:

NM_000455.5(STK11):c.853C>A (p.Leu285Met)

Gene: STK11 (serine/threonine kinase 11; plus strand). Cytogenetic location: 19p13.3.
Variant type: single nucleotide variant.
Coding change: c.853C>A on transcript NM_000455.5 (MANE Select); coding-DNA position 853, C replaced by A.
Protein change: p.Leu285Met; replaces leucine 285 with methionine.
Molecular consequence: missense variant. On other transcripts: non-coding transcript variant (1).
Genome position (GRCh38, 1-based): chr19:1,221,331, C>A. VCF-style: chr19-1221331-C-A. GRCh37 (hg19) VCF-style: chr19-1221330-C-A.
Other names: c.853C>A, p.Leu285Met (NM_001407255.1); short protein forms L285M.
Identifiers: ClinVar variation 3963252 (VCV003963252.1).

ClinVar aggregate classification (germline): Uncertain significance (1 of 4 stars; one submission).

Conditions:
Hereditary cancer-predisposing syndrome. Also called: Tumor predisposition; Hereditary neoplastic syndrome; Hereditary Cancer Syndrome; Neoplastic Syndromes, Hereditary. Identifiers: Orphanet 140162, MedGen C0027672, MeSH D009386, MONDO:0015356.

Submission:

Ambry Genetics
Classification: Uncertain significance for Hereditary cancer-predisposing syndrome. Last evaluated: 2025-03-31. Review status: criteria provided, single submitter. Criteria: Ambry Variant Classification Scheme 2023. Collection method: clinical testing. Allele origin: germline.
Comment: The p.L285M variant (also known as c.853C>A), located in coding exon 6 of the STK11 gene, results from a C to A substitution at nucleotide position 853. The leucine at codon 285 is replaced by methionine, an amino acid with highly similar properties. This amino acid position is highly conserved in available vertebrate species. In addition, the in silico prediction for this alteration is inconclusive. Based on the available evidence, the clinical significance of this variant remains unclear.